The following is an entry in ClinVar:

ClinVar aggregate classification (germline): Pathogenic/Likely pathogenic. Review status: criteria provided, multiple submitters, no conflicts (2 of 4 stars). 2 submissions from 2 submitters: Pathogenic (1); Likely pathogenic (1). Last evaluated 2023-10-22.

Conditions:
Xeroderma pigmentosum, group C (XPC). Also called: Xeroderma pigmentosum, complementation group C; XERODERMA PIGMENTOSUM III; XP, GROUP C; XPC-Related Xeroderma Pigmentosum. Identifiers: Orphanet 910, MedGen C2752147, MONDO:0010211, OMIM 278720.

Submissions (2):

Labcorp Genetics (formerly Invitae), Labcorp
Classification: Pathogenic. Last evaluated: 2023-10-22. Review status: criteria provided, single submitter. Criteria: Invitae Variant Classification Sherloc (09022015). Collection method: clinical testing. Allele origin: germline.
Comment: This sequence change creates a premature translational stop signal (p.Arg423Glyfs*103) in the XPC gene. It is expected to result in an absent or disrupted protein product. Loss-of-function variants in XPC are known to be pathogenic (PMID: 23173980, 25256075). This variant is not present in population databases (gnomAD no frequency). This variant has not been reported in the literature in individuals affected with XPC-related conditions. ClinVar contains an entry for this variant (Variation ID: 1073314). For these reasons, this variant has been classified as Pathogenic.

Baylor Genetics
Classification: Likely pathogenic for Xeroderma pigmentosum, group C. Last evaluated: 2023-09-07. Review status: criteria provided, single submitter. Criteria: ACMG Guidelines, 2015. Collection method: clinical testing. Allele origin: unknown.

Literature cited by the submitters: PubMed 23173980 (cited by Labcorp Genetics (formerly Invitae), Labcorp); PubMed 25256075 (cited by Labcorp Genetics (formerly Invitae), Labcorp).

NM_004628.5(XPC):c.1266del (p.Arg423fs)

Gene: XPC (XPC complex subunit, DNA damage recognition and repair factor; minus strand). Cytogenetic location: 3p25.1.
Variant type: Deletion.
Coding change: c.1266del on transcript NM_004628.5 (MANE Select); coding-DNA position 1266, one base deleted (G; older notation c.1266delG).
Protein change: p.Arg423fs; shifts the reading frame from arginine 423.
Molecular consequence: frameshift variant. On other transcripts: non-coding transcript variant (2).
Genome position (GRCh38, 1-based): chr3:14,158,617, C deleted on the plus strand (G on the coding strand, the reverse complement: XPC is on the minus strand); the first of 2 consecutive C bases (chr3:14,158,617-14,158,618); deleting either gives the same sequence. VCF-style (leftmost placement, unchanged base first): chr3-14158616-GC-G. GRCh37 (hg19) VCF-style: chr3-14200116-GC-G.
Other names: c.1266del, p.Arg423fs (NM_001354727.2, NM_001354730.2); c.1248del, p.Arg417fs (NM_001354729.2); c.687del, p.Arg230fs (NM_001354726.2); short protein forms R230fs, R417fs, R423fs.
Identifiers: ClinVar variation 1073314 (VCV001073314.8), dbSNP rs2125025992, ClinGen allele CA2499216528.